The following is an entry in ClinVar:

NM_201269.3(ZNF644):c.3014C>T (p.Ala1005Val)

Gene: ZNF644 (zinc finger protein 644; minus strand). Cytogenetic location: 1p22.2.
Variant type: single nucleotide variant.
Coding change: c.3014C>T on transcript NM_201269.3 (MANE Select); coding-DNA position 3014, C replaced by T.
Protein change: p.Ala1005Val; replaces alanine 1005 with valine.
Molecular consequence: missense variant. On other transcripts: intron variant (2).
Genome position (GRCh38, 1-based): chr1:90,938,340, G>A on the plus strand (C>T on the coding strand, the complement: ZNF644 is on the minus strand). VCF-style: chr1-90938340-G-A. GRCh37 (hg19) VCF-style: chr1-91403897-G-A.
Other names: c.23-20186C>T (NM_032186.5, NM_016620.4); short protein forms A1005V.
Identifiers: ClinVar variation 2630519 (VCV002630519.1), dbSNP rs2524424455, ClinGen allele CA341050073.

ClinVar aggregate classification (germline): Uncertain significance (1 of 4 stars; one submission).

Conditions:
ZNF644-related disorder. Also called: ZNF644-related condition.

Allele frequency attached by ClinVar (database versions not stated): gnomAD exomes below 0.00001.
gnomAD v4.1: 1 of 1,613,890 alleles (0.000062%); highest among the groups gnomAD compares: East Asian, 0.0022%; no homozygotes.

Submission:

PreventionGenetics, part of Exact Sciences
Classification: Uncertain significance for ZNF644-related condition. Last evaluated: 2023-02-13. Review status: criteria provided, single submitter. Criteria: ACMG Guidelines, 2015. Collection method: clinical testing. Allele origin: germline.
Comment: The ZNF644 c.3014C>T variant is predicted to result in the amino acid substitution p.Ala1005Val. To our knowledge, this variant has not been reported in the literature or in a large population database, indicating this variant is rare. At this time, the clinical significance of this variant is uncertain due to the absence of conclusive functional and genetic evidence.